The following is an entry in ClinVar:

ClinVar aggregate classification (germline): Pathogenic. Review status: reviewed by expert panel (3 of 4 stars). 7 submissions from 7 submitters: Pathogenic (1). 6 of the submissions do not count toward it. Last evaluated 2017-03-17.

Conditions:
CFTR-related disorder (CFTR-RD). Also called: CFTR-related condition; CFTR-related disorders. Identifiers: MedGen C5924204, MONDO:7770004.
Cystic fibrosis (CF). Also called: MUCOVISCIDOSIS. Identifiers: Orphanet 586, MedGen C0010674, MONDO:0009061, OMIM 219700. Disease mechanism: loss of function.
Bronchiectasis with or without elevated sweat chloride 1 (BESC1). Also called: Cystic Fibrosis-Like Syndrome. Identifiers: Orphanet 60033, MedGen C2749757, MONDO:0008887, OMIM 211400.

Submissions (7):

CFTR2
Classification: Pathogenic for Cystic fibrosis. Last evaluated: 2017-03-17. Review status: reviewed by expert panel. Criteria: Sosnay PR et al. (Nat Genet 2013). Collection method: research. Allele origin: germline. Affected: yes. Study: CFTR2.

Natera, Inc.
Classification: Pathogenic for CFTR-related disorders. Last evaluated: 2025-07-14. Review status: criteria provided, single submitter. Criteria: Natera Variant Classification Schema (03/2026). Collection method: clinical testing. Allele origin: germline. Not counted in ClinVar's aggregate classification.
Comment: The c.3293G>A variant in CFTR is a nonsense variant predicted to introduce a stop codon at amino acid 1098. This variant is expected to result in nonsense mediated decay, truncation, or a dysfunctional protein product. This variant is rare in the general population with a frequency below the threshold expected for the associated phenotype(s). This variant has been observed in one or more individuals affected with the associated recessive disease, as either homozygous or compound heterozygous with a second variant (PMID: 35697137). Given the available evidence, this variant is classified as Pathogenic.

Labcorp Genetics (formerly Invitae), Labcorp
Classification: Pathogenic for Cystic fibrosis. Last evaluated: 2024-10-13. Review status: criteria provided, single submitter. Criteria: Invitae Variant Classification Sherloc (09022015). Collection method: clinical testing. Allele origin: germline. Not counted in ClinVar's aggregate classification.
Comment: This sequence change creates a premature translational stop signal (p.Trp1098*) in the CFTR gene. It is expected to result in an absent or disrupted protein product. Loss-of-function variants in CFTR are known to be pathogenic (PMID: 1695717, 7691345, 9725922). This variant is not present in population databases (gnomAD no frequency). This premature translational stop signal has been observed in individual(s) with cystic fibrosis (PMID: 7513293, 30763667). This variant is also known as W1098*. ClinVar contains an entry for this variant (Variation ID: 53708). For these reasons, this variant has been classified as Pathogenic.

Baylor Genetics
Classification: Pathogenic for Bronchiectasis with or without elevated sweat chloride 1. Last evaluated: 2024-03-20. Review status: criteria provided, single submitter. Criteria: ACMG Guidelines, 2015. Collection method: clinical testing. Allele origin: unknown. Not counted in ClinVar's aggregate classification.

Women's Health and Genetics/Laboratory Corporation of America, LabCorp
Classification: Pathogenic for Cystic fibrosis. Last evaluated: 2020-11-11. Review status: criteria provided, single submitter. Criteria: LabCorp Variant Classification Summary - May 2015. Collection method: clinical testing. Allele origin: germline. Not counted in ClinVar's aggregate classification.
Comment: Variant summary: CFTR c.3293G>A (p.Trp1098X) results in a premature termination codon, predicted to cause a truncation of the encoded protein or absence of the protein due to nonsense mediated decay, which are commonly known mechanisms for disease. Truncations downstream of this position have been classified as pathogenic by our laboratory. The variant was absent in 251088 control chromosomes. c.3293G>A has been reported in the literature in individuals affected with Cystic Fibrosis (e.g. Chillon_1994, Claustres_2000, McCague_2019, Ruiz-Cabezas_2019). These data indicate that the variant is likely to be associated with disease. To our knowledge, no experimental evidence demonstrating an impact on protein function has been reported. Two ClinVar submitters (evaluation after 2014) have cited the variant as pathogenic. Based on the evidence outlined above, the variant was classified as pathogenic.

CFTR-France
Classification: Pathogenic for cystic fibrosis; CFTR-related disorders. Last evaluated: 2018-01-29. Review status: criteria provided, single submitter. Criteria: Claustres M et al. (Hum Mutat 2017). Collection method: curation. Allele origin: germline. Affected: yes. Not counted in ClinVar's aggregate classification.
Comment: the variant causes a phenotype but regarding our data, we can't formally attribute it to CF, CFTR-RD or both

Ambry Genetics
Classification: Pathogenic for Cystic fibrosis. Last evaluated: 2015-02-03. Review status: criteria provided, single submitter. Criteria: Ambry Variant Classification Scheme 2023. Collection method: clinical testing. Allele origin: germline. Not counted in ClinVar's aggregate classification.
Comment: The p.W1098* pathogenic mutation (also known as c.3293G>A and p.W1098X), located in coding exon 20 of the CFTR gene, results from a G to A substitution at nucleotide position 3293. This changes the amino acid from a tryptophan to a stop codon within coding exon 20. This pathogenic mutation was first reported in the literature as identified in an individual with cystic fibrosis and a sweat chloride >80mmol/L; however, specific clinical information or the presence of a second mutation was not provided (Chill&oacute;n M et al. Hum Genet. 1994;93(4):447-51). In addition to the clinical data presented in the literature, since premature stop codons are typically deleterious in nature, this alteration is interpreted as a disease-causing mutation (ACMG Recommendations for Standards for Interpretation and Reporting of Sequence Variations. Revision 2007. Genet Med. 2008;10:294).

Literature cited by the submitters: PubMed 35697137 (cited by Natera, Inc.); PubMed 1695717 (cited by Labcorp Genetics (formerly Invitae), Labcorp); PubMed 7691345 (cited by Labcorp Genetics (formerly Invitae), Labcorp); PubMed 9725922 (cited by Labcorp Genetics (formerly Invitae), Labcorp); PubMed 7513293 (cited by 3 submitters); PubMed 30763667 (cited by Labcorp Genetics (formerly Invitae), Labcorp and Women's Health and Genetics/Laboratory Corporation of America, LabCorp); PubMed 10923036 (cited by Women's Health and Genetics/Laboratory Corporation of America, LabCorp); PubMed 30888834 (cited by Women's Health and Genetics/Laboratory Corporation of America, LabCorp).

NM_000492.4(CFTR):c.3293G>A (p.Trp1098Ter)

Genes: CFTR (CF transmembrane conductance regulator; plus strand), CFTR-AS2 (CFTR antisense RNA 2; minus strand), LOC111674472 (DNase I hypersensitive sites in introns 16 and 17a of CFTR; plus strand). Cytogenetic location: 7q31.2.
Variant type: single nucleotide variant.
Coding change: c.3293G>A on transcript NM_000492.4 (MANE Select); coding-DNA position 3293, G replaced by A.
Protein change: p.Trp1098Ter; replaces tryptophan 1098 with a stop codon.
Molecular consequence: nonsense.
Genome position (GRCh38, 1-based): chr7:117,611,734, G>A. VCF-style: chr7-117611734-G-A. GRCh37 (hg19) VCF-style: chr7-117251788-G-A.
Other names: short protein forms W1098*.
Identifiers: ClinVar variation 53708 (VCV000053708.11), dbSNP rs397508532, ClinGen allele CA327131.